The following is an entry in ClinVar:

NM_001110556.2(FLNA):c.6769+5G>C

Gene: FLNA (filamin A; minus strand). Cytogenetic location: Xq28.
Variant type: single nucleotide variant.
Coding change: c.6769+5G>C on transcript NM_001110556.2 (MANE Select); 5 bases into the intron after coding-DNA position 6769, G replaced by C.
Molecular consequence: intron variant.
Genome position (GRCh38, 1-based): chrX:154,352,176, C>G on the plus strand (G>C on the coding strand, the complement: FLNA is on the minus strand). VCF-style: chrX-154352176-C-G. GRCh37 (hg19) VCF-style: chrX-153580544-C-G.
Other names: c.6745+5G>C (NM_001456.4).
Identifiers: ClinVar variation 2502094 (VCV002502094.3), dbSNP rs2067625073, ClinGen allele CA2466652882.

ClinVar aggregate classification (germline): Uncertain significance. Review status: criteria provided, multiple submitters, no conflicts (2 of 4 stars). 2 submissions from 2 submitters: Uncertain significance (2). Last evaluated 2025-08-21.

Conditions:
Frontometaphyseal dysplasia (FMD1). Identifiers: Orphanet 1826, MedGen C0265293, MONDO:0015942.
Melnick-Needles syndrome (MNS). Also called: MELNICK-NEEDLES OSTEODYSPLASTY; OSTEODYSPLASTY OF MELNICK AND NEEDLES; Melnick-Needles Syndrome (FLNA-MNS). Identifiers: Orphanet 2484, MedGen C0025237, MONDO:0010650, OMIM 309350.
Oto-palato-digital syndrome, type II (OPD2). Also called: FACIOPALATOOSSEOUS SYNDROME; OPD II SYNDROME; Otopalatodigital Syndrome, Type II; Otopalatodigital Syndrome Type 2 (FLNA-OPD2). Identifiers: Orphanet 669, Orphanet 90652, MedGen C1844696, MONDO:0010571, OMIM 304120.
Heterotopia, periventricular, X-linked dominant (PVNH1). Also called: PERIVENTRICULAR NODULAR HETEROTOPIA 1; X-linked periventricular heterotopia; PERIVENTRICULAR NODULAR HETEROTOPIA 4; HETEROTOPIA, PERIVENTRICULAR, 1. Identifiers: Orphanet 2149, Orphanet 82004, MedGen C1848213, MONDO:0010233, OMIM 300049.

Submissions (2):

Labcorp Genetics (formerly Invitae), Labcorp
Classification: Uncertain significance for Oto-palato-digital syndrome, type II; Heterotopia, periventricular, X-linked dominant; Frontometaphyseal dysplasia; Melnick-Needles syndrome. Last evaluated: 2025-08-21. Review status: criteria provided, single submitter. Criteria: Invitae Variant Classification Sherloc (09022015). Collection method: clinical testing. Allele origin: germline.
Comment: This sequence change falls in intron 40 of the FLNA gene. It does not directly change the encoded amino acid sequence of the FLNA protein. It affects a nucleotide within the consensus splice site. This variant is not present in population databases (gnomAD no frequency). This variant has not been reported in the literature in individuals affected with FLNA-related conditions. ClinVar contains an entry for this variant (Variation ID: 2502094). Variants that disrupt the consensus splice site are a relatively common cause of aberrant splicing (PMID: 17576681, 9536098). Algorithms developed to predict the effect of sequence changes on RNA splicing suggest that this variant may disrupt the consensus splice site. In summary, the available evidence is currently insufficient to determine the role of this variant in disease. Therefore, it has been classified as a Variant of Uncertain Significance.

GeneDx
Classification: Uncertain significance. Last evaluated: 2025-04-05. Review status: criteria provided, single submitter. Criteria: GeneDx Variant Classification Process June 2021. Collection method: clinical testing. Allele origin: germline.
Comment: Not observed at significant frequency in large population cohorts (gnomAD); In silico analysis indicates that this variant does not alter splicing; Has not been previously published as pathogenic or benign to our knowledge

Literature cited by the submitters: PubMed 17576681 (cited by Labcorp Genetics (formerly Invitae), Labcorp); PubMed 9536098 (cited by Labcorp Genetics (formerly Invitae), Labcorp).